The following is an entry in ClinVar:

ClinVar aggregate classification (germline): Uncertain significance (1 of 4 stars; one submission).

Conditions:
Primary ciliary dyskinesia. Also called: Ciliary dyskinesia. Identifiers: Orphanet 244, MedGen C0008780, MONDO:0016575, HP:0012265.

Allele frequency attached by ClinVar (database versions not stated): gnomAD exomes 0.00005; ExAC 0.00022; 1000 Genomes Project 30x 0.00031; 1000 Genomes Project 0.00040.
gnomAD v4.1: 8 of 1,252,530 alleles (0.00064%); highest among the groups gnomAD compares: South Asian, 0.032%; no homozygotes.

Submission:

Labcorp Genetics (formerly Invitae), Labcorp
Classification: Uncertain significance for Primary ciliary dyskinesia. Last evaluated: 2017-06-19. Review status: criteria provided, single submitter. Criteria: Invitae Variant Classification Sherloc (09022015). Collection method: clinical testing. Allele origin: germline.
Comment: In summary, this variant has uncertain impact on DNAAF3 function. The available evidence is currently insufficient to determine its role in disease. Therefore, it has been classified as a Variant of Uncertain Significance. Algorithms developed to predict the effect of sequence changes on RNA splicing suggest that this variant may create or strengthen a splice site, but this prediction has not been confirmed by published transcriptional studies. Algorithms developed to predict the effect of missense changes on protein structure and function (SIFT, PolyPhen-2, Align-GVGD) all suggest that this variant is likely to be tolerated, but these predictions have not been confirmed by published functional studies and their clinical significance is uncertain. This variant has not been reported in the literature in individuals with a DNAAF3-related disease. While this variant is present in population databases (rs528126745), the frequency information is unreliable, as metrics indicate poor data quality at this position in the ExAC database. This sequence change replaces phenylalanine with leucine at codon 197 of the DNAAF3 protein (p.Phe197Leu). The phenylalanine residue is moderately conserved and there is a small physicochemical difference between phenylalanine and leucine.

NM_001256715.2(DNAAF3):c.387C>G (p.Phe129Leu)

Genes: DNAAF3-AS1 (DNAAF3 antisense RNA 1; plus strand), DNAAF3 (dynein axonemal assembly factor 3; minus strand). Cytogenetic location: 19q13.42.
Variant type: single nucleotide variant.
Coding change: c.387C>G on transcript NM_001256715.2 (MANE Select); coding-DNA position 387, C replaced by G.
Protein change: p.Phe129Leu; replaces phenylalanine 129 with leucine.
Molecular consequence: missense variant.
Genome position (GRCh38, 1-based): chr19:55,162,226, G>C on the plus strand (C>G on the coding strand, the complement: DNAAF3 is on the minus strand). VCF-style: chr19-55162226-G-C. GRCh37 (hg19) VCF-style: chr19-55673594-G-C.
Other names: c.591C>G, p.Phe197Leu (NM_001256714.1); c.225C>G, p.Phe75Leu (NM_001256716.2); c.528C>G, p.Phe176Leu (NM_178837.4); short protein forms F197L, F176L, F129L, F75L.
Identifiers: ClinVar variation 454623 (VCV000454623.7), dbSNP rs528126745, ClinGen allele CA9668156.